The following is an entry in ClinVar:

NM_004958.4(MTOR):c.4354_4365del (p.Lys1452_Glu1455del)

Gene: MTOR (mechanistic target of rapamycin kinase; minus strand). Cytogenetic location: 1p36.22.
Variant type: Deletion.
Coding change: c.4354_4365del on transcript NM_004958.4 (MANE Select); coding-DNA positions 4354 to 4365, 12 bases deleted (AAACTGCACGAG).
Protein change: p.Lys1452_Glu1455del.
Genome position (GRCh38, 1-based): chr1:11,157,256-11,157,267, CTCGTGCAGTTT deleted on the plus strand (AAACTGCACGAG on the coding strand, the reverse complement: MTOR is on the minus strand); deleting any 12 consecutive bases within chr1:11,157,256-11,157,270 gives the same sequence; the c. name uses the placement nearest the transcript's 3' end. VCF-style (leftmost placement, unchanged base first): chr1-11157255-ACTCGTGCAGTTT-A. GRCh37 (hg19) VCF-style: chr1-11217312-ACTCGTGCAGTTT-A.
Other names: c.4354_4365del, p.Lys1452_Glu1455del (NM_001386500.1); c.3106_3117del, p.Lys1036_Glu1039del (NM_001386501.1); c.4354_4365delAAACTGCACGAG (NM_004958.4).
Identifiers: ClinVar variation 4879361 (VCV004879361.1).
Genomic context (GRCh38, chr1:11,157,255, plus strand): 5'-GCTCTGGGTCGTCCTTGTTGGTGTCCATTTTCTTGTCATAGGCCACAAGGGCATCCTCCC[ACTCGTGCAGTTT>A]CTCATACCAGGTAGCCTGGATCTCCTGTTACATGGGAAAGAAAGACTGCTGTGAGGTACA-3'

ClinVar aggregate classification (germline): Likely pathogenic (1 of 4 stars; one submission).

Conditions:
Isolated focal cortical dysplasia type II (FCORD2). Also called: Focal cortical dysplasia type II; CORTICAL DYSPLASIA OF TAYLOR. Identifiers: Orphanet 268994, MedGen C1846385, MONDO:0011818, OMIM 607341, HP:0032051.

Submission:

Human Genome Lab, NIMHANS, National Institute of Mental Health and Neuro Sciences
Classification: Likely pathogenic for Isolated focal cortical dysplasia type II. Last evaluated: 2024-10-24. Review status: criteria provided, single submitter. Criteria: ACMG Guidelines, 2015. Collection method: clinical testing. Allele origin: somatic. Affected: yes. Observed: 1 variant allele, 1 mosaic individual.
Comment: The in-frame deletion NM_004958.4(MTOR):c.4354_4365delAAACTGCACGAG (p.Lys1452_Glu1455del) is not currently classified as pathogenic or benign in clinical sources. The p.Lys1452_Glu1455del variant is novel (not in any individuals) in 1kG All. The p.Lys1452_Glu1455del variant is novel (not in any individuals) in gnomAD. This variant results in a deletion of 4 amino acid residues starting at 1452, including LysLeuHisGlu. However, as this is an in-frame deletion, it is not expected to result in either a truncated protein product or loss of protein through nonsense-mediated mRNA decay. The p.Lys1452_Glu1455del variant is not in a repeat region. The p.Lys1452_Glu1455del variant results in a deletion of 12 bases that are predicted conserved by GERP++ and PhyloP. 3 variants within 6 amino acid positions of the variant p.Lys1452_Glu1455del have been shown to be pathogenic, while none have been shown to be benign. The nucleotide c.4354 in MTOR is predicted conserved by GERP++ and PhyloP across 100 vertebrates. (ACMG criteria - PM2,PM1,PP3,PM4)